The following is an entry in ClinVar:

NM_001844.5(COL2A1):c.485del (p.Gly162fs)

Gene: COL2A1 (collagen type II alpha 1 chain; minus strand). Cytogenetic location: 12q13.11.
Variant type: Deletion.
Coding change: c.485del on transcript NM_001844.5 (MANE Select); coding-DNA position 485, one base deleted (G; older notation c.485delG).
Protein change: p.Gly162fs; shifts the reading frame from glycine 162.
Molecular consequence: frameshift variant.
Genome position (GRCh38, 1-based): chr12:47,997,652, C deleted on the plus strand (G on the coding strand, the reverse complement: COL2A1 is on the minus strand); the first of 2 consecutive C bases (chr12:47,997,652-47,997,653); deleting either gives the same sequence. VCF-style (leftmost placement, unchanged base first): chr12-47997651-GC-G. GRCh37 (hg19) VCF-style: chr12-48391434-GC-G.
Other names: c.278del, p.Gly93fs (NM_033150.3); short protein forms G162fs, G93fs.
Identifiers: ClinVar variation 1211167 (VCV001211167.6), dbSNP rs2136626297, ClinGen allele CA2499221687.

ClinVar aggregate classification (germline): Pathogenic (1 of 4 stars; one submission).

Submission:

GeneDx
Classification: Pathogenic. Last evaluated: 2024-12-30. Review status: criteria provided, single submitter. Criteria: GeneDx Variant Classification Process June 2021. Collection method: clinical testing. Allele origin: germline. Affected: yes.
Comment: Frameshift variant predicted to result in protein truncation or nonsense mediated decay in a gene for which loss of function is a known mechanism of disease; Not observed at significant frequency in large population cohorts (gnomAD); Has not been previously published as pathogenic or benign to our knowledge